The following is an entry in ClinVar:

ClinVar aggregate classification (germline): Pathogenic/Likely pathogenic. Review status: criteria provided, multiple submitters, no conflicts (2 of 4 stars). 2 submissions from 2 submitters: Pathogenic (1); Likely pathogenic (1). Last evaluated 2025-06-04.

Conditions:
Retinitis pigmentosa 93. Identifiers: MedGen C5676970, MONDO:0030797, OMIM 619845.
COACH syndrome 2. Identifiers: MedGen C5436837, MONDO:0030859, OMIM 619111.
Meckel syndrome, type 6. Identifiers: Orphanet 564, MedGen C2676790, MONDO:0012848, OMIM 612284.
Joubert syndrome 9 (JBTS9). Identifiers: Orphanet 2318, MedGen C2676788, MONDO:0012849, OMIM 612285.
Joubert syndrome and related disorders. Identifiers: Orphanet 140874, MedGen C5679612, MONDO:0015369.

Submissions (2):

Myriad Genetics, Inc.
Classification: Pathogenic for Joubert syndrome and related disorders. Last evaluated: 2025-06-04. Review status: criteria provided, single submitter. Criteria: Myriad Autosomal Dominant, Autosomal Recessive and X-Linked Classification Criteria (2023). Collection method: clinical testing. Allele origin: unknown.
Comment: NM_001080522.2(CC2D2A):c.391_404del14ins1(S133Kfs*15) is expected to be pathogenic in the context of CC2D2A-related disorders. This variant is predicted to lead to an abnormal or absent protein product due to the creation of a premature termination codon in CC2D2A, a gene where loss-of-function variants are known to be pathogenic. Please note: this variant was assessed in the context of healthy population screening.

Fulgent Genetics
Classification: Likely pathogenic for Meckel syndrome, type 6; Joubert syndrome 9; COACH syndrome 2; Retinitis pigmentosa 93. Last evaluated: 2024-01-24. Review status: criteria provided, single submitter. Criteria: ACMG Guidelines, 2015. Collection method: clinical testing. Allele origin: germline.

NM_001378615.1(CC2D2A):c.391_404delinsC (p.Ser133fs)

Genes: CC2D2A (coiled-coil and C2 domain containing 2A; plus strand), FBXL5 (F-box and leucine rich repeat protein 5; minus strand). Cytogenetic location: 4p15.32.
Variant type: Indel.
Coding change: c.391_404delinsC on transcript NM_001378615.1 (MANE Select); coding-DNA positions 391 to 404, TTACGAAGTCCCAG replaced by C.
Protein change: p.Ser133fs; shifts the reading frame from serine 133.
Molecular consequence: frameshift variant.
Genome position (GRCh38, 1-based): chr4:15,502,876-15,502,889, TTACGAAGTCCCAG replaced by C. VCF-style: chr4-15502876-TTACGAAGTCCCAG-C. GRCh37 (hg19) VCF-style: chr4-15504499-TTACGAAGTCCCAG-C.
Other names: c.391_404delinsC, p.Ser133fs (NM_001080522.2); c.244_257delinsC, p.Ser84fs (NM_001378617.1); short protein forms S133fs, S84fs.
Identifiers: ClinVar variation 3590265 (VCV003590265.2).